The following is an entry in ClinVar:

ClinVar aggregate classification (germline): Uncertain significance (1 of 4 stars; one submission).

Submission:

Labcorp Genetics (formerly Invitae), Labcorp
Classification: Uncertain significance. Last evaluated: 2025-11-27. Review status: criteria provided, single submitter. Criteria: Invitae Variant Classification Sherloc (09022015). Collection method: clinical testing. Allele origin: germline.
Comment: This sequence change falls in intron 14 of the SRP72 gene. It does not directly change the encoded amino acid sequence of the SRP72 protein. Information on the frequency of this variant in the gnomAD database is not available, as this variant may be reported differently in the database. This variant has not been reported in the literature in individuals affected with SRP72-related conditions. Experimental studies and prediction algorithms are not available or were not evaluated, and the effect of this variant on mRNA splicing is currently unknown. In summary, the available evidence is currently insufficient to determine the role of this variant in disease. Therefore, it has been classified as a Variant of Uncertain Significance.

NM_006947.4(SRP72):c.1424+15_1424+16delinsTA

Gene: SRP72 (signal recognition particle 72; plus strand). Cytogenetic location: 4q12.
Variant type: Indel.
Coding change: c.1424+15_1424+16delinsTA on transcript NM_006947.4 (MANE Select); bases 15 to 16 of the intron after coding-DNA position 1424, GT replaced by TA.
Molecular consequence: intron variant.
Genome position (GRCh38, 1-based): chr4:56,490,451-56,490,452, GT replaced by TA. VCF-style: chr4-56490451-GT-TA. GRCh37 (hg19) VCF-style: chr4-57356617-GT-TA.
Other names: c.1241+15_1241+16delinsTA (NM_001267722.2).
Identifiers: ClinVar variation 4732098 (VCV004732098.1).